The following is an entry in ClinVar:

ClinVar aggregate classification (germline): Uncertain significance. Review status: criteria provided, multiple submitters, no conflicts (2 of 4 stars). 2 submissions from 2 submitters: Uncertain significance (2). Last evaluated 2025-09-09.

Conditions:
Hereditary cancer-predisposing syndrome. Also called: Tumor predisposition; Hereditary Cancer Syndrome; Hereditary neoplastic syndrome; Neoplastic Syndromes, Hereditary. Identifiers: Orphanet 140162, MedGen C0027672, MeSH D009386, MONDO:0015356.
POLD1-related polyposis and colorectal cancer syndrome (CRCS10). Also called: Colorectal cancer 10; COLORECTAL CANCER, SUSCEPTIBILITY TO, ON CHROMOSOME 19q; Colorectal cancer, susceptibility to, 10. Identifiers: Orphanet 220460, MedGen C2675481, MONDO:0012953, OMIM 612591.

Submissions (2):

Labcorp Genetics (formerly Invitae), Labcorp
Classification: Uncertain significance for POLD1-related polyposis and colorectal cancer syndrome. Last evaluated: 2025-09-09. Review status: criteria provided, single submitter. Criteria: Invitae Variant Classification Sherloc (09022015). Collection method: clinical testing. Allele origin: germline.
Comment: This sequence change replaces proline, which is neutral and non-polar, with leucine, which is neutral and non-polar, at codon 71 of the POLD1 protein (p.Pro71Leu). This variant is not present in population databases (gnomAD no frequency). This variant has not been reported in the literature in individuals affected with POLD1-related conditions. ClinVar contains an entry for this variant (Variation ID: 1003107). Invitae Evidence Modeling of protein sequence and biophysical properties (such as structural, functional, and spatial information, amino acid conservation, physicochemical variation, residue mobility, and thermodynamic stability) indicates that this missense variant is not expected to disrupt POLD1 protein function with a negative predictive value of 80%. In summary, the available evidence is currently insufficient to determine the role of this variant in disease. Therefore, it has been classified as a Variant of Uncertain Significance.

Ambry Genetics
Classification: Uncertain significance for Hereditary cancer-predisposing syndrome. Last evaluated: 2023-10-06. Review status: criteria provided, single submitter. Criteria: Ambry Variant Classification Scheme 2023. Collection method: clinical testing. Allele origin: germline.
Comment: The p.P71L variant (also known as c.212C>T), located in coding exon 2 of the POLD1 gene, results from a C to T substitution at nucleotide position 212. The proline at codon 71 is replaced by leucine, an amino acid with similar properties. This amino acid position is conserved. In addition, this alteration is predicted to be tolerated by in silico analysis. Since supporting evidence is limited at this time, the clinical significance of this alteration remains unclear.

NM_002691.4(POLD1):c.212C>T (p.Pro71Leu)

Gene: POLD1 (DNA polymerase delta 1, catalytic subunit; plus strand). Cytogenetic location: 19q13.33.
Variant type: single nucleotide variant.
Coding change: c.212C>T on transcript NM_002691.4 (MANE Select); coding-DNA position 212, C replaced by T.
Protein change: p.Pro71Leu; replaces proline 71 with leucine.
Molecular consequence: missense variant. On other transcripts: non-coding transcript variant (1).
Genome position (GRCh38, 1-based): chr19:50,399,380, C>T. VCF-style: chr19-50399380-C-T. GRCh37 (hg19) VCF-style: chr19-50902637-C-T.
Other names: c.212C>T, p.Pro71Leu (NM_001256849.1, NM_001308632.1); c.212C>T (NM_002691.2); short protein forms P71L.
Identifiers: ClinVar variation 1003107 (VCV001003107.7), dbSNP rs2038496590, ClinGen allele CA406970396.
Genomic context (GRCh38, chr19:50,399,380, plus strand): 5'-CGGGGAAGACCATGACTCCATGTACTCCACTTCCTTCCCTTCCCCCACCAGGGCAGGTCC[C>T]ACCATCAGCCATAGATCCTCGCTGGCTTCGGCCCACACCACCAGCGCTGGACCCCCAGAC-3'
Protein context (NP_002682.2, residues 61-81): VLEGVADGQV[Pro71Leu]PSAIDPRWLR